The following is an entry in ClinVar:

NM_015631.6(TCTN3):c.1583C>A (p.Ser528Tyr)

Gene: TCTN3 (tectonic family member 3; minus strand). Cytogenetic location: 10q24.1.
Variant type: single nucleotide variant.
Coding change: c.1583C>A on transcript NM_015631.6 (MANE Select); coding-DNA position 1583, C replaced by A.
Protein change: p.Ser528Tyr; replaces serine 528 with tyrosine.
Molecular consequence: missense variant.
Genome position (GRCh38, 1-based): chr10:95,680,479, G>T on the plus strand (C>A on the coding strand, the complement: TCTN3 is on the minus strand). VCF-style: chr10-95680479-G-T. GRCh37 (hg19) VCF-style: chr10-97440236-G-T.
Other names: c.1637C>A, p.Ser546Tyr (NM_001013840.1); c.1139C>A, p.Ser380Tyr (NM_001143973.2); c.1487C>A, p.Ser496Tyr (NM_001410982.1); short protein forms S496Y, S546Y, S528Y, S380Y.
Identifiers: ClinVar variation 2002775 (VCV002002775.4), dbSNP rs2492731065, ClinGen allele CA377701604.
Genomic context (GRCh38, chr10:95,680,479, plus strand): 5'-AAGACAATCTAGGCTTTGCAAGGTTTAGTGATCCTTTATGAGCCATGACTTACCTGTATA[G>T]ACTGGCACTGGTATAGGAATCGAACTCCTGATACATGAGCTTGCGGGTTGGACAGGAGAC-3'
Protein context (NP_056446.4, residues 518-538): SGVRFLYQCQ[Ser528Tyr]IQDSQQVTEV

ClinVar aggregate classification (germline): Uncertain significance (1 of 4 stars; one submission).

Conditions:
Joubert syndrome 18 (JBTS18). Identifiers: Orphanet 2754, MedGen C3553758, MONDO:0013896, OMIM 614815.
Orofacial-digital syndrome IV (OFD4). Also called: BARAITSER-BURN SYNDROME; OFD SYNDROME WITH TIBIAL DEFECTS; OFD SYNDROME, BARAITSER-BURN TYPE; OFDS IV; ORAL-FACIAL-DIGITAL SYNDROME, TYPE IV; Orofaciodigital syndrome IV. Identifiers: Orphanet 2753, MedGen C0406727, MONDO:0009794, OMIM 258860.

gnomAD v4.1: 1 of 1,613,896 alleles (0.000062%); highest among the groups gnomAD compares: Non-Finnish European, 0.000085%; no homozygotes.

Submission:

Labcorp Genetics (formerly Invitae), Labcorp
Classification: Uncertain significance for Joubert syndrome 18; Orofacial-digital syndrome IV. Last evaluated: 2022-06-08. Review status: criteria provided, single submitter. Criteria: Invitae Variant Classification Sherloc (09022015). Collection method: clinical testing. Allele origin: germline.
Comment: This variant has not been reported in the literature in individuals affected with TCTN3-related conditions. This variant is not present in population databases (gnomAD no frequency). In summary, the available evidence is currently insufficient to determine the role of this variant in disease. Therefore, it has been classified as a Variant of Uncertain Significance. Algorithms developed to predict the effect of missense changes on protein structure and function (SIFT, PolyPhen-2, Align-GVGD) all suggest that this variant is likely to be tolerated. This sequence change replaces serine, which is neutral and polar, with tyrosine, which is neutral and polar, at codon 528 of the TCTN3 protein (p.Ser528Tyr).